The following is an entry in ClinVar:

NM_000059.4(BRCA2):c.766A>G (p.Thr256Ala)

Gene: BRCA2 (BRCA2 DNA repair associated; plus strand). Cytogenetic location: 13q13.1.
Variant type: single nucleotide variant.
Coding change: c.766A>G on transcript NM_000059.4 (MANE Select); coding-DNA position 766, A replaced by G.
Protein change: p.Thr256Ala; replaces threonine 256 with alanine.
Molecular consequence: missense variant. On other transcripts: non-coding transcript variant (1).
Genome position (GRCh38, 1-based): chr13:32,331,003, A>G. VCF-style: chr13-32331003-A-G. GRCh37 (hg19) VCF-style: chr13-32905140-A-G.
Other names: c.766A>G, p.Thr256Ala (NM_001406719.1, NM_001406720.1, NM_001406721.1 and 1 more transcripts); c.397A>G, p.Thr133Ala (NM_001406722.1); short protein forms T133A, T256A.
Identifiers: ClinVar variation 4802265 (VCV004802265.1).

ClinVar aggregate classification (germline): Uncertain significance (1 of 4 stars; one submission).

Conditions:
Hereditary breast ovarian cancer syndrome. Also called: Hereditary breast and ovarian cancer syndrome (HBOC); Hereditary breast and ovarian cancer; Breast and ovarian cancer; Hereditary breast and/or ovarian cancer syndrome; BRCA1- and BRCA2-Associated Hereditary Breast and Ovarian Cancer; Hereditary breast and ovarian cancer syndrome. Identifiers: Orphanet 145, MedGen C0677776, MeSH D061325, MONDO:0003582. Disease mechanism: loss of function.

Submission:

Labcorp Genetics (formerly Invitae), Labcorp
Classification: Uncertain significance for Hereditary breast ovarian cancer syndrome. Last evaluated: 2025-10-07. Review status: criteria provided, single submitter. Criteria: Invitae Variant Classification Sherloc (09022015). Collection method: clinical testing. Allele origin: germline.
Comment: This sequence change replaces threonine, which is neutral and polar, with alanine, which is neutral and non-polar, at codon 256 of the BRCA2 protein (p.Thr256Ala). This variant is not present in population databases (gnomAD no frequency). This variant has not been reported in the literature in individuals affected with BRCA2-related conditions. Invitae Evidence Modeling of protein sequence and biophysical properties (such as structural, functional, and spatial information, amino acid conservation, physicochemical variation, residue mobility, and thermodynamic stability) indicates that this missense variant is not expected to disrupt BRCA2 protein function with a negative predictive value of 95%. In summary, the available evidence is currently insufficient to determine the role of this variant in disease. Therefore, it has been classified as a Variant of Uncertain Significance.